The following is an entry in ClinVar:

NM_001379451.1(BCORL1):c.3741G>C (p.Gln1247His)

Gene: BCORL1 (BCL6 corepressor like 1; plus strand). Cytogenetic location: Xq26.1.
Variant type: single nucleotide variant.
Coding change: c.3741G>C on transcript NM_001379451.1 (MANE Select); coding-DNA position 3741, G replaced by C.
Protein change: p.Gln1247His; replaces glutamine 1247 with histidine.
Molecular consequence: missense variant. On other transcripts: intron variant (4).
Genome position (GRCh38, 1-based): chrX:130,025,042, G>C. VCF-style: chrX-130025042-G-C. GRCh37 (hg19) VCF-style: chrX-129159017-G-C.
Other names: c.3741G>C, p.Gln1247His (NM_001184772.3, NM_001379450.1, NM_001441326.1 and 3 more transcripts); c.3688+2065G>C (NM_001441329.1, NM_001441331.1, NM_001441330.1 and 1 more transcripts); short protein forms Q1247H.
Identifiers: ClinVar variation 4082698 (VCV004082698.1).

ClinVar aggregate classification (germline): Uncertain significance (1 of 4 stars; one submission).

Submission:

GeneDx
Classification: Uncertain significance. Last evaluated: 2025-03-05. Review status: criteria provided, single submitter. Criteria: GeneDx Variant Classification Process June 2021. Collection method: clinical testing. Allele origin: germline. Affected: yes.
Comment: Not observed at significant frequency in large population cohorts (gnomAD); In silico analysis indicates that this missense variant does not alter protein structure/function; Has not been previously published as pathogenic or benign to our knowledge